The following is an entry in ClinVar:

ClinVar aggregate classification (germline): Likely pathogenic (1 of 4 stars; one submission).

Conditions:
NBEAL2-related disorder. Also called: NBEAL2-related condition.

Submission:

PreventionGenetics, part of Exact Sciences
Classification: Likely pathogenic for NBEAL2-related condition. Last evaluated: 2025-02-12. Review status: criteria provided, single submitter. Criteria: ACMG Guidelines, 2015. Collection method: clinical testing. Allele origin: germline.
Comment: The NBEAL2 c.316C>T variant is predicted to result in premature protein termination (p.Arg106*). To our knowledge, this variant has not been reported in the literature. This variant is reported in 0.00078% of alleles in individuals of European (Non-Finnish) descent in gnomAD. Nonsense variants in NBEAL2 are expected to be pathogenic. This variant is interpreted as likely pathogenic.

NM_015175.3(NBEAL2):c.316C>T (p.Arg106Ter)

Gene: NBEAL2 (neurobeachin like 2; plus strand). Cytogenetic location: 3p21.31.
Variant type: single nucleotide variant.
Coding change: c.316C>T on transcript NM_015175.3 (MANE Select); coding-DNA position 316, C replaced by T.
Protein change: p.Arg106Ter; replaces arginine 106 with a stop codon.
Molecular consequence: nonsense.
Genome position (GRCh38, 1-based): chr3:46,989,131, C>T. VCF-style: chr3-46989131-C-T. GRCh37 (hg19) VCF-style: chr3-47030621-C-T.
Other names: c.295C>T, p.Arg99Ter (NM_001365116.2); short protein forms R106*, R99*.
Identifiers: ClinVar variation 4986968 (VCV004986968.1).
Genomic context (GRCh38, chr3:46,989,131, plus strand): 5'-ATTGACTCCCCCAGGAACCTGGAGAACATAGAGGCAGGCCGGGGCCAAGTGCTAGTGCCC[C>T]GAGTGCTGGCACTGTTGACCAAGTTGGTGGCGGAGGTGAAGTGGCCTCTACCTTGGGGGG-3'